The following is an entry in ClinVar:

ClinVar aggregate classification (germline): Uncertain significance. Review status: criteria provided, multiple submitters, no conflicts (2 of 4 stars). 2 submissions from 2 submitters: Uncertain significance (2). Last evaluated 2025-08-13.

Allele frequency attached by ClinVar (database versions not stated): ExAC 0.00002; gnomAD 0.00002; TOPMed 0.00003; gnomAD exomes 0.00005.
gnomAD v4.1: 80 of 1,613,892 alleles (0.005%); highest among the groups gnomAD compares: Non-Finnish European, 0.0059%; no homozygotes.

Submissions (2):

Ambry Genetics
Classification: Uncertain significance. Last evaluated: 2025-08-13. Review status: criteria provided, single submitter. Criteria: Ambry Variant Classification Scheme 2023. Collection method: clinical testing. Allele origin: germline.

Labcorp Genetics (formerly Invitae), Labcorp
Classification: Uncertain significance. Last evaluated: 2021-12-20. Review status: criteria provided, single submitter. Criteria: Invitae Variant Classification Sherloc (09022015). Collection method: clinical testing. Allele origin: germline.
Comment: This sequence change replaces arginine, which is basic and polar, with tryptophan, which is neutral and slightly polar, at codon 321 of the SYNE4 protein (p.Arg321Trp). This variant is present in population databases (rs764812979, gnomAD 0.007%). This variant has not been reported in the literature in individuals affected with SYNE4-related conditions. Algorithms developed to predict the effect of missense changes on protein structure and function output the following: SIFT: "Deleterious"; PolyPhen-2: "Possibly Damaging"; Align-GVGD: "Class C0". The tryptophan amino acid residue is found in multiple mammalian species, which suggests that this missense change does not adversely affect protein function. In summary, the available evidence is currently insufficient to determine the role of this variant in disease. Therefore, it has been classified as a Variant of Uncertain Significance.

NM_001039876.3(SYNE4):c.961C>T (p.Arg321Trp)

Gene: SYNE4 (spectrin repeat containing nuclear envelope family member 4; minus strand). Cytogenetic location: 19q13.12.
Variant type: single nucleotide variant.
Coding change: c.961C>T on transcript NM_001039876.3 (MANE Select); coding-DNA position 961, C replaced by T.
Protein change: p.Arg321Trp; replaces arginine 321 with tryptophan.
Molecular consequence: missense variant.
Genome position (GRCh38, 1-based): chr19:36,005,344, G>A on the plus strand (C>T on the coding strand, the complement: SYNE4 is on the minus strand). VCF-style: chr19-36005344-G-A. GRCh37 (hg19) VCF-style: chr19-36496246-G-A.
Other names: c.961C>T (NM_001039876.1); c.622C>T, p.Arg208Trp (NM_001297735.3); short protein forms R208W, R321W.
Identifiers: ClinVar variation 2158667 (VCV002158667.2), dbSNP rs764812979, ClinGen allele CA9393797.